The following is an entry in ClinVar:

ClinVar aggregate classification (germline): Likely pathogenic. Review status: criteria provided, single submitter (1 of 4 stars). 2 submissions from 2 submitters: Likely pathogenic (1). 1 of the submissions does not count toward it. Last evaluated 2025-10-16.

Conditions:
De Lange syndrome (CDLS). Also called: Cornelia de Lange syndrome; CDL. Identifiers: Orphanet 199, MedGen C0270972, MONDO:0016033.
CORNELIA DE LANGE SYNDROME 7 (CDLS7). Identifiers: MedGen CN381618, OMIM 621570.

Submissions (2):

Institute for Human Genetics, University Hospital Essen
Classification: Likely pathogenic for De Lange syndrome. Last evaluated: 2025-10-16. Review status: criteria provided, single submitter. Criteria: ACMG Guidelines, 2015. Collection method: research. Allele origin: unknown. Affected: yes. Observed: 1 variant allele.
Comment: PVS1_strong, PS3, PM2_sup

OMIM
Classification: Pathogenic for CORNELIA DE LANGE SYNDROME 7. Last evaluated: 2026-04-24. Review status: no assertion criteria provided. Collection method: literature only. Allele origin: germline. Not counted in ClinVar's aggregate classification.

Literature cited by the submitters: PubMed 41912533 (cited by OMIM).

NM_015329.4(MAU2):c.724dup (p.Asp242fs)

Gene: MAU2 (MAU2 sister chromatid cohesion factor; plus strand). Cytogenetic location: 19p13.11.
Variant type: Duplication.
Coding change: c.724dup on transcript NM_015329.4 (MANE Select); coding-DNA position 724, one base duplicated (G; older notation c.724dupG).
Protein change: p.Asp242fs; shifts the reading frame from aspartic acid 242.
Molecular consequence: frameshift variant.
Genome position (GRCh38, 1-based): chr19:19,341,396, G duplicated; the last of 2 consecutive G bases (chr19:19,341,395-19,341,396); duplicating either gives the same sequence. VCF-style (leftmost placement, unchanged base first): chr19-19341394-T-TG. GRCh37 (hg19) VCF-style: chr19-19452203-T-TG.
Other names: c.724dupG (NM_015329.4); short protein forms D242fs.
Identifiers: ClinVar variation 4291150 (VCV004291150.2).